The following is an entry in ClinVar:

ClinVar aggregate classification (germline): Conflicting classifications of pathogenicity. Review status: criteria provided, conflicting classifications (1 of 4 stars). 4 submissions from 4 submitters: Uncertain significance (1); Likely benign (2). 1 of the submissions does not count toward it. Last evaluated 2026-09-01.

Conditions:
LAMB1-related disorder. Also called: LAMB1-related condition.

Allele frequency attached by ClinVar (database versions not stated): 1000 Genomes Project 0.00040; 1000 Genomes Project 30x 0.00047; ESP Exome Variant Server 0.00062; TOPMed 0.00071; gnomAD exomes 0.00095 and 0.00108; ExAC 0.00121; gnomAD 0.00121 and 0.00128.
gnomAD v4.1: 1,540 of 1,595,366 alleles (0.097%); highest among the groups gnomAD compares: Non-Finnish European, 0.11%; 8 homozygotes.

Submissions (4):

CeGaT Center for Human Genetics Tuebingen
Classification: Likely benign. Last evaluated: 2026-09-01. Review status: criteria provided, single submitter. Criteria: CeGaT Center For Human Genetics Tuebingen Variant Classification Criteria Version 2. Collection method: clinical testing. Allele origin: germline. Affected: yes. Observed: 6 variant alleles.
Comment: LAMB1: PP3, BS2

Labcorp Genetics (formerly Invitae), Labcorp
Classification: Likely benign. Last evaluated: 2026-01-27. Review status: criteria provided, single submitter. Criteria: Invitae Variant Classification Sherloc (09022015). Collection method: clinical testing. Allele origin: germline.

GeneDx
Classification: Uncertain significance. Last evaluated: 2025-11-21. Review status: criteria provided, single submitter. Criteria: GeneDx Variant Classification Process June 2021. Collection method: clinical testing. Allele origin: germline.
Comment: In silico analysis supports that this missense variant has a deleterious effect on protein structure/function; Has not been previously published as pathogenic or benign to our knowledge; This variant is associated with the following publications: (PMID: 26512799, 23472759)

PreventionGenetics, part of Exact Sciences
Classification: Likely benign for LAMB1-related condition. Last evaluated: 2024-09-24. Review status: no assertion criteria provided. Collection method: clinical testing. Allele origin: germline. Not counted in ClinVar's aggregate classification.
Comment: This variant is classified as likely benign based on ACMG/AMP sequence variant interpretation guidelines (Richards et al. 2015 PMID: 25741868, with internal and published modifications).

NM_002291.3(LAMB1):c.680T>C (p.Leu227Ser)

Gene: LAMB1 (laminin subunit beta 1; minus strand). Cytogenetic location: 7q31.1.
Variant type: single nucleotide variant.
Coding change: c.680T>C on transcript NM_002291.3 (MANE Select); coding-DNA position 680, T replaced by C.
Protein change: p.Leu227Ser; replaces leucine 227 with serine.
Molecular consequence: missense variant.
Genome position (GRCh38, 1-based): chr7:107,980,808, A>G on the plus strand (T>C on the coding strand, the complement: LAMB1 is on the minus strand). VCF-style: chr7-107980808-A-G. GRCh37 (hg19) VCF-style: chr7-107621253-A-G.
Other names: short protein forms L227S.
Identifiers: ClinVar variation 718152 (VCV000718152.39), dbSNP rs139759735, ClinGen allele CA4436204.